The following is an entry in ClinVar:

NM_000051.4(ATM):c.875C>G (p.Pro292Arg)

Gene: ATM (ATM serine/threonine kinase; plus strand). Cytogenetic location: 11q22.3.
Variant type: single nucleotide variant.
Coding change: c.875C>G on transcript NM_000051.4 (MANE Select); coding-DNA position 875, C replaced by G.
Protein change: p.Pro292Arg; replaces proline 292 with arginine.
Molecular consequence: missense variant.
Genome position (GRCh38, 1-based): chr11:108,245,000, C>G. VCF-style: chr11-108245000-C-G. GRCh37 (hg19) VCF-style: chr11-108115727-C-G.
Other names: c.875C>G, p.Pro292Arg (NM_001351834.2); short protein forms P292R.
Identifiers: ClinVar variation 645269 (VCV000645269.12), dbSNP rs747727055, ClinGen allele CA382529551.

ClinVar aggregate classification (germline): Uncertain significance. Review status: criteria provided, multiple submitters, no conflicts (2 of 4 stars). 3 submissions from 3 submitters: Uncertain significance (3). Last evaluated 2025-08-12.

Conditions:
Hereditary cancer-predisposing syndrome. Also called: Neoplastic Syndromes, Hereditary; Hereditary Cancer Syndrome; Hereditary neoplastic syndrome; Tumor predisposition. Identifiers: Orphanet 140162, MedGen C0027672, MeSH D009386, MONDO:0015356.
Ataxia-telangiectasia syndrome (AT). Also called: LOUIS-BAR SYNDROME; Ataxia-telangiectasia, complementation group E; Ataxia-telangiectasia, complementation group D; AT, COMPLEMENTATION GROUP C; Ataxia telangiectasia (A-T); Cerebello-oculocutaneous telangiectasia. Identifiers: Orphanet 100, MedGen C0004135, MONDO:0008840, OMIM 208900.

Submissions (3):

Labcorp Genetics (formerly Invitae), Labcorp
Classification: Uncertain significance for Ataxia-telangiectasia syndrome. Last evaluated: 2025-08-12. Review status: criteria provided, single submitter. Criteria: Invitae Variant Classification Sherloc (09022015). Collection method: clinical testing. Allele origin: germline.
Comment: This sequence change replaces proline, which is neutral and non-polar, with arginine, which is basic and polar, at codon 292 of the ATM protein (p.Pro292Arg). This variant is not present in population databases (gnomAD no frequency). This variant has not been reported in the literature in individuals affected with ATM-related conditions. ClinVar contains an entry for this variant (Variation ID: 645269). Invitae Evidence Modeling of protein sequence and biophysical properties (such as structural, functional, and spatial information, amino acid conservation, physicochemical variation, residue mobility, and thermodynamic stability) has been performed for this missense variant. However, the output from this modeling did not meet the statistical confidence thresholds required to predict the impact of this variant on ATM protein function. This variant disrupts the p.Pro292 amino acid residue in ATM. Other variant(s) that disrupt this residue have been determined to be pathogenic (PMID: 18634022, 19431188, 23264026). This suggests that this residue is clinically significant, and that variants that disrupt this residue are likely to be disease-causing. In summary, the available evidence is currently insufficient to determine the role of this variant in disease. Therefore, it has been classified as a Variant of Uncertain Significance.

Color Diagnostics, LLC DBA Color Health
Classification: Uncertain significance for Hereditary cancer-predisposing syndrome. Last evaluated: 2022-04-19. Review status: criteria provided, single submitter. Criteria: ACMG Guidelines, 2015. Collection method: clinical testing. Allele origin: germline.
Comment: This missense variant replaces proline with arginine at codon 292 of the ATM protein. Computational prediction is inconclusive regarding the impact of this variant on protein structure and function (internally defined REVEL score threshold 0.5 < inconclusive < 0.7, PMID: 27666373). To our knowledge, functional studies have not been reported for this variant. This variant has been reported in an individual affected with chronic lymphocytic leukemia (PMID: 27479817). A different variant affecting the same codon, c.875C>T (p.Pro292Leu), is considered to be disease-causing (ClinVar variation ID: 229794), suggesting that proline at this position is important for protein function. This variant has not been identified in the general population by the Genome Aggregation Database (gnomAD). The available evidence is insufficient to determine the role of this variant in disease conclusively. Therefore, this variant is classified as a Variant of Uncertain Significance.

Ambry Genetics
Classification: Uncertain significance for Hereditary cancer-predisposing syndrome. Last evaluated: 2021-12-20. Review status: criteria provided, single submitter. Criteria: Ambry Variant Classification Scheme 2023. Collection method: clinical testing. Allele origin: germline.
Comment: The p.P292R variant (also known as c.875C>G), located in coding exon 6 of the ATM gene, results from a C to G substitution at nucleotide position 875. The proline at codon 292 is replaced by arginine, an amino acid with dissimilar properties. This amino acid position is highly conserved in available vertebrate species. In addition, this alteration is predicted to be deleterious by in silico analysis. Since supporting evidence is limited at this time, the clinical significance of this alteration remains unclear.

Literature cited by the submitters: PubMed 18634022 (cited by Labcorp Genetics (formerly Invitae), Labcorp); PubMed 19431188 (cited by Labcorp Genetics (formerly Invitae), Labcorp); PubMed 23264026 (cited by Labcorp Genetics (formerly Invitae), Labcorp); PubMed 27479817 (cited by Color Diagnostics, LLC DBA Color Health).